The following is an entry in ClinVar:

ClinVar aggregate classification (germline): Likely benign. Review status: criteria provided, single submitter (1 of 4 stars). 2 submissions from 2 submitters: Likely benign (1). 1 of the submissions does not count toward it. Last evaluated 2026-08-01.

Conditions:
CELSR1-related disorder. Also called: CELSR1-related condition.

Allele frequency attached by ClinVar (database versions not stated): 1000 Genomes Project 0.00140; 1000 Genomes Project 30x 0.00141; TOPMed 0.00231; gnomAD 0.00248; ExAC 0.00256; ESP Exome Variant Server 0.00263; gnomAD exomes 0.00336.
gnomAD v4.1: 5,029 of 1,549,568 alleles (0.32%); highest among the groups gnomAD compares: Non-Finnish European, 0.36%; 6 homozygotes.

Submissions (2):

CeGaT Center for Human Genetics Tuebingen
Classification: Likely benign. Last evaluated: 2026-08-01. Review status: criteria provided, single submitter. Criteria: CeGaT Center For Human Genetics Tuebingen Variant Classification Criteria Version 2. Collection method: clinical testing. Allele origin: germline. Affected: yes. Observed: 7 variant alleles.
Comment: CELSR1: BS1

PreventionGenetics, part of Exact Sciences
Classification: Likely benign for CELSR1-related condition. Last evaluated: 2020-02-05. Review status: no assertion criteria provided. Collection method: clinical testing. Allele origin: germline. Not counted in ClinVar's aggregate classification.
Comment: This variant is classified as likely benign based on ACMG/AMP sequence variant interpretation guidelines (Richards et al. 2015 PMID: 25741868, with internal and published modifications).

NM_001378328.1(CELSR1):c.8282C>T (p.Ser2761Leu)

Gene: CELSR1 (cadherin EGF LAG seven-pass G-type receptor 1; minus strand). Cytogenetic location: 22q13.31.
Variant type: single nucleotide variant.
Coding change: c.8282C>T on transcript NM_001378328.1 (MANE Select); coding-DNA position 8282, C replaced by T.
Protein change: p.Ser2761Leu; replaces serine 2761 with leucine.
Molecular consequence: missense variant.
Genome position (GRCh38, 1-based): chr22:46,366,404, G>A on the plus strand (C>T on the coding strand, the complement: CELSR1 is on the minus strand). VCF-style: chr22-46366404-G-A. GRCh37 (hg19) VCF-style: chr22-46762301-G-A.
Other names: c.8282C>T, p.Ser2761Leu (NM_014246.4); c.8282C>T (NM_014246.1); short protein forms S2761L.
Identifiers: ClinVar variation 2653308 (VCV002653308.25), dbSNP rs144039991, ClinGen allele CA10292903.
Genomic context (GRCh38, chr22:46,366,404, plus strand): 5'-AGTTCGAGAGCCACCTCCCCGAACCCGGAGCTGCGGCCTGACCTGACGATGCTGTCCAGC[G>A]AGGCGGTGGACTCGCCCAAGTCTGTGCGCAGCATGTCAGGCCCGTCACCGAAGGTGGTGT-3'
Protein context (NP_001365257.1, residues 2751-2771): LRTDLGESTA[Ser2761Leu]LDSIVRDEGI